The following is an entry in ClinVar:

NM_002471.4(MYH6):c.1373T>C (p.Ile458Thr)

Gene: MYH6 (myosin heavy chain 6; minus strand). Cytogenetic location: 14q11.2.
Variant type: single nucleotide variant.
Coding change: c.1373T>C on transcript NM_002471.4 (MANE Select); coding-DNA position 1373, T replaced by C.
Protein change: p.Ile458Thr; replaces isoleucine 458 with threonine.
Molecular consequence: missense variant.
Genome position (GRCh38, 1-based): chr14:23,400,746, A>G on the plus strand (T>C on the coding strand, the complement: MYH6 is on the minus strand). VCF-style: chr14-23400746-A-G. GRCh37 (hg19) VCF-style: chr14-23869955-A-G.
Other names: short protein forms I458T.
Identifiers: ClinVar variation 432548 (VCV000432548.21), dbSNP rs774807696, ClinGen allele CA7115828.

ClinVar aggregate classification (germline): Uncertain significance. Review status: criteria provided, multiple submitters, no conflicts (2 of 4 stars). 5 submissions from 5 submitters: Uncertain significance (5). Last evaluated 2026-03-05.

Conditions:
Dilated cardiomyopathy 1EE (CMD1EE). Identifiers: Orphanet 154, MedGen C2750466, MONDO:0013198, OMIM 613252.
Hypertrophic cardiomyopathy 14. Identifiers: MedGen C2750467, MONDO:0013197, OMIM 613251.
Atrial septal defect 3 (ASD3). Identifiers: Orphanet 1478, MedGen C3279790, MONDO:0013567, OMIM 614089.
Hypertrophic cardiomyopathy 1 (CMH1). Also called: MYH7-Related Familial Hypertrophic Cardiomyopathy; Familial hypertrophic cardiomyopathy 1. Identifiers: MedGen C3495498, MONDO:0008647, OMIM 192600.
Sick sinus syndrome 3, susceptibility to (SSS3). Identifiers: Orphanet 166282, MedGen C3279791, MONDO:0013568, OMIM 614090.
Cardiovascular phenotype. Identifiers: MedGen CN230736.

Allele frequency attached by ClinVar (database versions not stated): gnomAD exomes below 0.00001 and 0.00001; gnomAD 0.00001 and 0.00002; ExAC 0.00002; TOPMed 0.00002.
gnomAD v4.1: 16 of 1,614,132 alleles (0.00099%); highest among the groups gnomAD compares: East Asian, 0.0045%; no homozygotes.

Submissions (5):

Women's Health and Genetics/Laboratory Corporation of America, LabCorp
Classification: Uncertain significance. Last evaluated: 2026-03-05. Review status: criteria provided, single submitter. Criteria: LabCorp Variant Classification Summary - May 2015. Collection method: clinical testing. Allele origin: germline.

Labcorp Genetics (formerly Invitae), Labcorp
Classification: Uncertain significance for Hypertrophic cardiomyopathy 14. Last evaluated: 2025-10-15. Review status: criteria provided, single submitter. Criteria: Invitae Variant Classification Sherloc (09022015). Collection method: clinical testing. Allele origin: germline.
Comment: This sequence change replaces isoleucine, which is neutral and non-polar, with threonine, which is neutral and polar, at codon 458 of the MYH6 protein (p.Ile458Thr). This variant is present in population databases (rs774807696, gnomAD 0.006%). This variant has not been reported in the literature in individuals affected with MYH6-related conditions. ClinVar contains an entry for this variant (Variation ID: 432548). Invitae Evidence Modeling of protein sequence and biophysical properties (such as structural, functional, and spatial information, amino acid conservation, physicochemical variation, residue mobility, and thermodynamic stability) indicates that this missense variant is expected to disrupt MYH6 protein function with a positive predictive value of 80%. In summary, the available evidence is currently insufficient to determine the role of this variant in disease. Therefore, it has been classified as a Variant of Uncertain Significance.

Ambry Genetics
Classification: Uncertain significance for Cardiovascular phenotype. Last evaluated: 2025-02-19. Review status: criteria provided, single submitter. Criteria: Ambry Variant Classification Scheme 2023. Collection method: clinical testing. Allele origin: germline.

GeneDx
Classification: Uncertain significance. Last evaluated: 2024-08-07. Review status: criteria provided, single submitter. Criteria: GeneDx Variant Classification Process June 2021. Collection method: clinical testing. Allele origin: germline. Affected: yes.
Comment: Has not been previously published as pathogenic or benign to our knowledge; Not observed at significant frequency in large population cohorts (gnomAD); In silico analysis supports that this missense variant has a deleterious effect on protein structure/function

Fulgent Genetics
Classification: Uncertain significance for Hypertrophic cardiomyopathy 1; Hypertrophic cardiomyopathy 14; Dilated cardiomyopathy 1EE; Atrial septal defect 3; Sick sinus syndrome 3, susceptibility to. Last evaluated: 2021-08-15. Review status: criteria provided, single submitter. Criteria: ACMG Guidelines, 2015. Collection method: clinical testing. Allele origin: unknown.